The following is an entry in ClinVar:

NM_007294.4(BRCA1):c.3209C>A (p.Ala1070Glu)

Gene: BRCA1 (BRCA1 DNA repair associated; minus strand). Cytogenetic location: 17q21.31.
Variant type: single nucleotide variant.
Coding change: c.3209C>A on transcript NM_007294.4 (MANE Select); coding-DNA position 3209, C replaced by A.
Protein change: p.Ala1070Glu; replaces alanine 1070 with glutamic acid.
Molecular consequence: missense variant. On other transcripts: intron variant (137).
Genome position (GRCh38, 1-based): chr17:43,092,322, G>T on the plus strand (C>A on the coding strand, the complement: BRCA1 is on the minus strand). VCF-style: chr17-43092322-G-T. GRCh37 (hg19) VCF-style: chr17-41244339-G-T.
Other names: c.2996C>A, p.Ala999Glu (NM_001407571.1, NM_001407853.1, NM_001407894.1 and 9 more transcripts); c.3209C>A, p.Ala1070Glu (NM_001407581.1, NM_001407582.1, NM_001407583.1 and 30 more transcripts); c.3206C>A, p.Ala1069Glu (NM_001407587.1, NM_001407590.1, NM_001407591.1 and 22 more transcripts); c.3200C>A, p.Ala1067Glu (NM_001407646.1, NM_001407647.1); c.3086C>A, p.Ala1029Glu (NM_001407648.1, NM_001407664.1, NM_001407665.1 and 19 more transcripts); c.3083C>A, p.Ala1028Glu (NM_001407649.1, NM_001407670.1, NM_001407671.1 and 11 more transcripts); c.3131C>A, p.Ala1044Glu (NM_001407653.1, NM_001407654.1, NM_001407655.1 and 4 more transcripts); c.3128C>A, p.Ala1043Glu (NM_001407659.1, NM_001407660.1, NM_001407661.1 and 1 more transcripts); and 41 more; short protein forms A1023E, A1044E, A1070E, A943E, A981E, A982E, A1043E, A959E.
Identifiers: ClinVar variation 2915513 (VCV002915513.3), dbSNP rs397507212, ClinGen allele CA10595560.

ClinVar aggregate classification (germline): Uncertain significance (1 of 4 stars; one submission).

Conditions:
Hereditary breast ovarian cancer syndrome. Also called: BRCA1- and BRCA2-Associated Hereditary Breast and Ovarian Cancer; Hereditary breast and ovarian cancer; Hereditary breast and ovarian cancer syndrome (HBOC); Hereditary breast and/or ovarian cancer syndrome; Hereditary breast and ovarian cancer syndrome; Breast and ovarian cancer. Identifiers: Orphanet 145, MedGen C0677776, MeSH D061325, MONDO:0003582. Disease mechanism: loss of function.

Submission:

Labcorp Genetics (formerly Invitae), Labcorp
Classification: Uncertain significance for Hereditary breast ovarian cancer syndrome. Last evaluated: 2023-08-03. Review status: criteria provided, single submitter. Criteria: Invitae Variant Classification Sherloc (09022015). Collection method: clinical testing. Allele origin: germline.
Comment: This sequence change replaces alanine, which is neutral and non-polar, with glutamic acid, which is acidic and polar, at codon 1070 of the BRCA1 protein (p.Ala1070Glu). This variant is not present in population databases (gnomAD no frequency). This variant has not been reported in the literature in individuals affected with BRCA1-related conditions. Advanced modeling of protein sequence and biophysical properties (such as structural, functional, and spatial information, amino acid conservation, physicochemical variation, residue mobility, and thermodynamic stability) performed at Invitae indicates that this missense variant is not expected to disrupt BRCA1 protein function. In summary, the available evidence is currently insufficient to determine the role of this variant in disease. Therefore, it has been classified as a Variant of Uncertain Significance.